The following is an entry in ClinVar:

ClinVar aggregate classification (germline): Uncertain significance. Review status: criteria provided, multiple submitters, no conflicts (2 of 4 stars). 2 submissions from 2 submitters: Uncertain significance (2). Last evaluated 2024-07-01.

Conditions:
Glycine encephalopathy. Also called: Non-ketotic hyperglycinemia; Nonketotic hyperglycinemia. Identifiers: Orphanet 407, MedGen C0751748, MONDO:0011612, HP:0008288.

Allele frequency attached by ClinVar (database versions not stated): gnomAD 0.00001 and 0.00003; TOPMed 0.00001; ExAC 0.00002; gnomAD exomes 0.00003; ESP Exome Variant Server 0.00008.
gnomAD v4.1: 45 of 1,612,964 alleles (0.0028%); highest among the groups gnomAD compares: South Asian, 0.022%; no homozygotes.

Submissions (2):

GeneDx
Classification: Uncertain significance. Last evaluated: 2024-07-01. Review status: criteria provided, single submitter. Criteria: GeneDx Variant Classification Process June 2021. Collection method: clinical testing. Allele origin: germline. Affected: yes.
Comment: Not observed at significant frequency in large population cohorts (gnomAD); In silico analysis supports that this missense variant has a deleterious effect on protein structure/function; Has not been previously published as pathogenic or benign to our knowledge

Labcorp Genetics (formerly Invitae), Labcorp
Classification: Uncertain significance for Glycine encephalopathy. Last evaluated: 2022-08-23. Review status: criteria provided, single submitter. Criteria: Invitae Variant Classification Sherloc (09022015). Collection method: clinical testing. Allele origin: germline.
Comment: This sequence change replaces proline, which is neutral and non-polar, with leucine, which is neutral and non-polar, at codon 944 of the GLDC protein (p.Pro944Leu). This variant is present in population databases (rs374969047, gnomAD 0.01%). This variant has not been reported in the literature in individuals affected with GLDC-related conditions. ClinVar contains an entry for this variant (Variation ID: 1312112). Algorithms developed to predict the effect of missense changes on protein structure and function are either unavailable or do not agree on the potential impact of this missense change (SIFT: "Deleterious"; PolyPhen-2: "Possibly Damaging"; Align-GVGD: "Class C0"). In summary, the available evidence is currently insufficient to determine the role of this variant in disease. Therefore, it has been classified as a Variant of Uncertain Significance.

NM_000170.3(GLDC):c.2831C>T (p.Pro944Leu)

Gene: GLDC (glycine decarboxylase; minus strand). Cytogenetic location: 9p24.1.
Variant type: single nucleotide variant.
Coding change: c.2831C>T on transcript NM_000170.3 (MANE Select); coding-DNA position 2831, C replaced by T.
Protein change: p.Pro944Leu; replaces proline 944 with leucine.
Molecular consequence: missense variant.
Genome position (GRCh38, 1-based): chr9:6,536,071, G>A on the plus strand (C>T on the coding strand, the complement: GLDC is on the minus strand). VCF-style: chr9-6536071-G-A. GRCh37 (hg19) VCF-style: chr9-6536071-G-A.
Other names: short protein forms P944L.
Identifiers: ClinVar variation 1312112 (VCV001312112.4), dbSNP rs374969047, ClinGen allele CA4980063.
Genomic context (GRCh38, chr9:6,536,071, plus strand): 5'-CATCATTTTCTAGTTTAAGGAACATTTCAAGCAATGTTCCAGGGCCTACGCACCTTCAGC[G>A]GATTGACCCTGGGGTCGATGCGGCCCTCCTCAATGTCAGCAATTTCCTGCCGAATGCTGA-3'
Protein context (NP_000161.2, residues 934-954): EEGRIDPRVN[Pro944Leu]LKMSPHSLTC